The following is an entry in ClinVar:

ClinVar aggregate classification (germline): Uncertain significance (1 of 4 stars; one submission).

gnomAD v4.1: 1 of 1,613,742 alleles (0.000062%); highest among the groups gnomAD compares: Admixed American, 0.0017%; no homozygotes.

Submission:

Labcorp Genetics (formerly Invitae), Labcorp
Classification: Uncertain significance. Last evaluated: 2025-03-31. Review status: criteria provided, single submitter. Criteria: Invitae Variant Classification Sherloc (09022015). Collection method: clinical testing. Allele origin: germline.
Comment: This sequence change replaces asparagine, which is neutral and polar, with threonine, which is neutral and polar, at codon 524 of the KMT2A protein (p.Asn524Thr). This variant is not present in population databases (gnomAD no frequency). This variant has not been reported in the literature in individuals affected with KMT2A-related conditions. ClinVar contains an entry for this variant (Variation ID: 1408861). Invitae Evidence Modeling of protein sequence and biophysical properties (such as structural, functional, and spatial information, amino acid conservation, physicochemical variation, residue mobility, and thermodynamic stability) indicates that this missense variant is not expected to disrupt KMT2A protein function with a negative predictive value of 95%. In summary, the available evidence is currently insufficient to determine the role of this variant in disease. Therefore, it has been classified as a Variant of Uncertain Significance.

NM_001197104.2(KMT2A):c.1571A>C (p.Asn524Thr)

Gene: KMT2A (lysine methyltransferase 2A; plus strand). Cytogenetic location: 11q23.3.
Variant type: single nucleotide variant.
Coding change: c.1571A>C on transcript NM_001197104.2 (MANE Select); coding-DNA position 1571, A replaced by C.
Protein change: p.Asn524Thr; replaces asparagine 524 with threonine.
Molecular consequence: missense variant.
Genome position (GRCh38, 1-based): chr11:118,472,730, A>C. VCF-style: chr11-118472730-A-C. GRCh37 (hg19) VCF-style: chr11-118343445-A-C.
Other names: c.1571A>C, p.Asn524Thr (NM_005933.4); short protein forms N524T.
Identifiers: ClinVar variation 1408861 (VCV001408861.8), dbSNP rs782781212, ClinGen allele CA382810395.